The following is an entry in ClinVar:

ClinVar aggregate classification (germline): Pathogenic. Review status: criteria provided, multiple submitters, no conflicts (2 of 4 stars). 5 submissions from 5 submitters: Pathogenic (4). 1 of the submissions does not count toward it. Last evaluated 2025-07-31.

Conditions:
CYP4F22-related disorder. Also called: CYP4F22-related condition.
Autosomal recessive congenital ichthyosis 5 (ARCI5). Also called: Ichthyosis, nonlamellar and nonerythrodermic, congenital, autosomal recessive; ICHTHYOSIS CONGENITA III. Identifiers: Orphanet 313, MedGen C1858133, MONDO:0011485, OMIM 604777.

Allele frequency attached by ClinVar (database versions not stated): gnomAD 0.00001; TOPMed 0.00003; ExAC 0.00005.

Submissions (5):

First Genomix Gene Laboratory, Genetic Diagnostics Department
Classification: Pathogenic for Autosomal recessive congenital ichthyosis 5. Last evaluated: 2025-07-31. Review status: criteria provided, single submitter. Criteria: ACMG Guidelines, 2015. Collection method: clinical testing. Allele origin: germline. Inheritance: Autosomal recessive inheritance. Affected: no. Observed: 1 variant allele.

GeneDx
Classification: Pathogenic. Last evaluated: 2025-02-10. Review status: criteria provided, single submitter. Criteria: GeneDx Variant Classification Process June 2021. Collection method: clinical testing. Allele origin: germline. Affected: yes.
Comment: Published functional studies demonstrate a damaging effect on omega-hydroxylase activity (PMID: 33067036); Observed with another CYP4F22 variant in unrelated patients with congenital ichthyosis in published literature, but it is not known whether the variants occurred on the same (in cis) or on different (in trans) chromosomes (PMID: 23621129, 30011118); In silico analysis supports that this missense variant has a deleterious effect on protein structure/function; This variant is associated with the following publications: (PMID: 36939041, 30011118, 31589614, 23621129, 27735052, 33067036, 38588653, ShinLee2023[CaseReport], Ghorui2024[CaseReport])

Blueprint Genetics
Classification: Pathogenic for CYP4F22-related disorders. Last evaluated: 2021-10-20. Review status: criteria provided, single submitter. Criteria: ACMG Guidelines, 2015. Collection method: clinical testing. Allele origin: germline. Affected: yes. Observed: 5 variant alleles.

Equipe Genetique des Anomalies du Developpement, Université de Bourgogne
Classification: Pathogenic for Autosomal recessive congenital ichthyosis 5. Last evaluated: 2020-07-22. Review status: criteria provided, single submitter. Criteria: ACMG Guidelines, 2015. Collection method: clinical testing. Allele origin: paternal. Inheritance: Autosomal recessive inheritance. Affected: yes.
Comment: This variant was observed in compound heterozygosity with variant NM_173483.3:c.1177_1179del

Institute for Human Genetics, University Medical Center Freiburg
Classification: Pathogenic for Autosomal recessive congenital ichthyosis 5. Last evaluated: 2018-04-23. Review status: no assertion criteria provided. Collection method: clinical testing. Allele origin: germline. Affected: yes. Not counted in ClinVar's aggregate classification.

Literature cited by the submitters: PubMed 30011118 (cited by Equipe Genetique des Anomalies du Developpement, Université de Bourgogne); PubMed 23621129 (cited by Institute for Human Genetics, University Medical Center Freiburg).

NM_173483.4(CYP4F22):c.466C>T (p.Arg156Cys)

Gene: CYP4F22 (cytochrome P450 family 4 subfamily F member 22; plus strand). Cytogenetic location: 19p13.12.
Variant type: single nucleotide variant.
Coding change: c.466C>T on transcript NM_173483.4 (MANE Select); coding-DNA position 466, C replaced by T.
Protein change: p.Arg156Cys; replaces arginine 156 with cysteine.
Molecular consequence: missense variant.
Genome position (GRCh38, 1-based): chr19:15,537,579, C>T. VCF-style: chr19-15537579-C-T. GRCh37 (hg19) VCF-style: chr19-15648390-C-T.
Other names: short protein forms R156C.
Identifiers: ClinVar variation 560331 (VCV000560331.9), dbSNP rs770500550, ClinGen allele CA9269594.